The following is an entry in ClinVar:

ClinVar aggregate classification (germline): Uncertain significance (1 of 4 stars; one submission).

Submission:

Ambry Genetics
Classification: Uncertain significance. Last evaluated: 2025-05-31. Review status: criteria provided, single submitter. Criteria: Ambry Variant Classification Scheme 2023. Collection method: clinical testing. Allele origin: germline.
Comment: The p.D182A variant (also known as c.545A>C), located in coding exon 1 of the WNK2 gene, results from an A to C substitution at nucleotide position 545. The aspartic acid at codon 182 is replaced by alanine, an amino acid with dissimilar properties. This amino acid position is conserved. In addition, the in silico prediction for this alteration is inconclusive. Based on the available evidence, the clinical significance of this variant remains unclear.

NM_006648.4(WNK2):c.545A>C (p.Asp182Ala)

Gene: WNK2 (WNK lysine deficient protein kinase 2; plus strand). Cytogenetic location: 9q22.31.
Variant type: single nucleotide variant.
Coding change: c.545A>C on transcript NM_006648.4 (MANE Select); coding-DNA position 545, A replaced by C.
Protein change: p.Asp182Ala; replaces aspartic acid 182 with alanine.
Molecular consequence: missense variant.
Genome position (GRCh38, 1-based): chr9:93,185,474, A>C. VCF-style: chr9-93185474-A-C. GRCh37 (hg19) VCF-style: chr9-95947756-A-C.
Other names: c.545A>C, p.Asp182Ala (NM_001282394.3); short protein forms D182A.
Identifiers: ClinVar variation 3982147 (VCV003982147.1).
Genomic context (GRCh38, chr9:93,185,474, plus strand): 5'-AGCCTGAGCCCGGGCGCACTCGCCGGGACGAGCCCGAAGAGGAGGAGGACGACGAGGACG[A>C]CCTCAAGGCCGTGGCCACCTCTCTGGACGGCCGCTTCCTCAAGTTCGACATCGAGCTGGG-3'
Protein context (NP_006639.3, residues 172-192): EPEEEEDDED[Asp182Ala]LKAVATSLDG